The following is an entry in ClinVar:

ClinVar aggregate classification (germline): Pathogenic (1 of 4 stars; one submission).

Submission:

Labcorp Genetics (formerly Invitae), Labcorp
Classification: Pathogenic. Last evaluated: 2024-03-12. Review status: criteria provided, single submitter. Criteria: Invitae Variant Classification Sherloc (09022015). Collection method: clinical testing. Allele origin: germline.
Comment: This sequence change creates a premature translational stop signal (p.Phe1856Serfs*48) in the POLE gene. It is expected to result in an absent or disrupted protein product. Loss-of-function variants in POLE are known to be pathogenic (PMID: 23230001, 25948378, 30503519). This variant is not present in population databases (gnomAD no frequency). This variant has not been reported in the literature in individuals affected with POLE-related conditions. For these reasons, this variant has been classified as Pathogenic.

Literature cited by the submitters: PubMed 23230001; PubMed 25948378; PubMed 30503519.

NM_006231.4(POLE):c.5567del (p.Phe1856fs)

Gene: POLE (DNA polymerase epsilon, catalytic subunit; minus strand). Cytogenetic location: 12q24.33.
Variant type: Deletion.
Coding change: c.5567del on transcript NM_006231.4 (MANE Select); coding-DNA position 5567, one base deleted (T; older notation c.5567delT).
Protein change: p.Phe1856fs; shifts the reading frame from phenylalanine 1856.
Molecular consequence: frameshift variant.
Genome position (GRCh38, 1-based): chr12:132,638,125, A deleted on the plus strand (T on the coding strand, the reverse complement: POLE is on the minus strand); the first of 2 consecutive A bases (chr12:132,638,125-132,638,126); deleting either gives the same sequence. VCF-style (leftmost placement, unchanged base first): chr12-132638124-GA-G. GRCh37 (hg19) VCF-style: chr12-133214710-GA-G.
Other names: short protein forms F1856fs.
Identifiers: ClinVar variation 3642654 (VCV003642654.2).
Genomic context (GRCh38, chr12:132,638,124, plus strand): 5'-CTTTGTACAGAGGATGATGCGGTTGAAGTTGGCGTAGATGACTGATGACCCCAGGCGCTT[GA>G]ACTCAGCGATGAGCCTGTGGAGCAAGTTGAGAGTCCGTGGTGGAGACGCCACAGTCATGG-3'